The following is an entry in ClinVar:

ClinVar aggregate classification (germline): Pathogenic (1 of 4 stars; one submission).

Conditions:
Fanconi anemia complementation group A (FANCA). Also called: Fanconi anemia, group A; FANCA-Related Fanconi Anemia. Identifiers: Orphanet 84, MedGen C3469521, MONDO:0009215, OMIM 227650.

Submissions (2):

3billion
Classification: Pathogenic for Fanconi anemia complementation group A. Last evaluated: 2025-01-04. Review status: criteria provided, single submitter. Criteria: ACMG Guidelines, 2015. Collection method: clinical testing. Allele origin: germline. Affected: yes.
Comment: The variant is not observed in the gnomAD v4.1.0 dataset. Predicted Consequence/Location: Canonical splice site: predicted to alter splicing and result in a loss or disruption of normal protein function. Multiple pathogenic loss-of-function variants are reported downstream of the variant. In silico tools predict the variant to alter splicing and produce an abnormal transcript [SpliceAI: 0.99 (spliceogenicity >=0.2, non-spliceogenicity <0.1)]. Therefore, this variant is classified as Pathogenic according to the recommendation of ACMG/AMP guideline.

Dr. Peter K. Rogan Lab, Western University
No classification provided (evidence only). Condition: Squamous cell lung carcinoma. Review status: no classification provided. Collection method: in vitro. Allele origin: not applicable. Functional consequence: cryptic splice site. Not counted in ClinVar's aggregate classification.

NM_000135.4(FANCA):c.1827-1G>C

Gene: FANCA (FA complementation group A; minus strand). Cytogenetic location: 16q24.3.
Variant type: single nucleotide variant.
Coding change: c.1827-1G>C on transcript NM_000135.4 (MANE Select); the canonical splice acceptor site of the intron before coding-DNA position 1827, G replaced by C.
Molecular consequence: splice acceptor variant.
Genome position (GRCh38, 1-based): chr16:89,775,816, C>G on the plus strand (G>C on the coding strand, the complement: FANCA is on the minus strand). VCF-style: chr16-89775816-C-G. GRCh37 (hg19) VCF-style: chr16-89842224-C-G.
Other names: NC_000016.9:g.89842224C>G; c.1827-1G>C (NM_001286167.3).
Identifiers: ClinVar variation 4291760 (VCV004291760.2).